The following is an entry in ClinVar:

ClinVar aggregate classification (germline): Likely benign. Review status: criteria provided, multiple submitters, no conflicts (2 of 4 stars). 2 submissions from 2 submitters: Likely benign (2). Last evaluated 2026-05-01.

gnomAD v4.1: 119 of 1,614,072 alleles (0.0074%); highest among the groups gnomAD compares: South Asian, 0.078%; 4 homozygotes.

Submissions (2):

CeGaT Center for Human Genetics Tuebingen
Classification: Likely benign. Last evaluated: 2026-05-01. Review status: criteria provided, single submitter. Criteria: CeGaT Center For Human Genetics Tuebingen Variant Classification Criteria Version 2. Collection method: clinical testing. Allele origin: germline. Affected: yes. Observed: 1 variant allele.
Comment: CIT: BP4, BP7

Labcorp Genetics (formerly Invitae), Labcorp
Classification: Likely benign. Last evaluated: 2025-12-15. Review status: criteria provided, single submitter. Criteria: Invitae Variant Classification Sherloc (09022015). Collection method: clinical testing. Allele origin: germline.

NM_001206999.2(CIT):c.5718G>A (p.Ala1906=)

Gene: CIT (citron rho-interacting serine/threonine kinase; minus strand). Cytogenetic location: 12q24.23.
Variant type: single nucleotide variant.
Coding change: c.5718G>A on transcript NM_001206999.2 (MANE Select); coding-DNA position 5718, G replaced by A.
Protein change: p.Ala1906=; no amino-acid change (alanine 1906 retained).
Molecular consequence: synonymous variant.
Genome position (GRCh38, 1-based): chr12:119,697,823, C>T on the plus strand (G>A on the coding strand, the complement: CIT is on the minus strand). VCF-style: chr12-119697823-C-T. GRCh37 (hg19) VCF-style: chr12-120135628-C-T.
Other names: c.5592G>A, p.Ala1864= (NM_007174.3).
Identifiers: ClinVar variation 4750918 (VCV004750918.3).